The following is an entry in ClinVar:

NM_022367.4(SEMA4A):c.1843C>A (p.Gln615Lys)

Gene: SEMA4A (semaphorin 4A; plus strand). Cytogenetic location: 1q22.
Variant type: single nucleotide variant.
Coding change: c.1843C>A on transcript NM_022367.4 (MANE Select); coding-DNA position 1843, C replaced by A.
Protein change: p.Gln615Lys; replaces glutamine 615 with lysine.
Molecular consequence: missense variant.
Genome position (GRCh38, 1-based): chr1:156,176,554, C>A. VCF-style: chr1-156176554-C-A. GRCh37 (hg19) VCF-style: chr1-156146345-C-A.
Other names: c.1843C>A, p.Gln615Lys (NM_001193300.2, NM_001193301.2, NM_001370567.1); c.1447C>A, p.Gln483Lys (NM_001193302.2); c.1546C>A, p.Gln516Lys (NM_001370568.1); c.1336C>A, p.Gln446Lys (NM_001370569.1, NM_001370571.1); short protein forms Q516K, Q615K, Q446K, Q483K.
Identifiers: ClinVar variation 2754725 (VCV002754725.3), dbSNP rs2528324427, ClinGen allele CA342812068.

ClinVar aggregate classification (germline): Uncertain significance (1 of 4 stars; one submission).

Allele frequency attached by ClinVar (database versions not stated): gnomAD exomes below 0.00001.
gnomAD v4.1: 6 of 1,614,168 alleles (0.00037%); highest among the groups gnomAD compares: Non-Finnish European, 0.00042%; no homozygotes.

Submission:

Labcorp Genetics (formerly Invitae), Labcorp
Classification: Uncertain significance. Last evaluated: 2023-08-23. Review status: criteria provided, single submitter. Criteria: Invitae Variant Classification Sherloc (09022015). Collection method: clinical testing. Allele origin: germline.
Comment: This variant has not been reported in the literature in individuals affected with SEMA4A-related conditions. This variant is not present in population databases (gnomAD no frequency). This sequence change replaces glutamine, which is neutral and polar, with lysine, which is basic and polar, at codon 615 of the SEMA4A protein (p.Gln615Lys). Advanced modeling of protein sequence and biophysical properties (such as structural, functional, and spatial information, amino acid conservation, physicochemical variation, residue mobility, and thermodynamic stability) performed at Invitae indicates that this missense variant is not expected to disrupt SEMA4A protein function. In summary, the available evidence is currently insufficient to determine the role of this variant in disease. Therefore, it has been classified as a Variant of Uncertain Significance.